The following is an entry in ClinVar:

ClinVar aggregate classification (germline): Likely benign (1 of 4 stars; one submission).

gnomAD v4.1: 116 of 1,611,668 alleles (0.0072%); highest among the groups gnomAD compares: Admixed American, 0.14%; 1 homozygote.

Submission:

CeGaT Center for Human Genetics Tuebingen
Classification: Likely benign. Last evaluated: 2026-06-01. Review status: criteria provided, single submitter. Criteria: CeGaT Center For Human Genetics Tuebingen Variant Classification Criteria Version 2. Collection method: clinical testing. Allele origin: germline. Affected: yes. Observed: 1 variant allele.
Comment: CPNE7: BP4

NM_153636.3(CPNE7):c.484C>T (p.Arg162Trp)

Gene: CPNE7 (copine 7; plus strand). Cytogenetic location: 16q24.3.
Variant type: single nucleotide variant.
Coding change: c.484C>T on transcript NM_153636.3 (MANE Select); coding-DNA position 484, C replaced by T.
Protein change: p.Arg162Trp; replaces arginine 162 with tryptophan.
Molecular consequence: missense variant.
Genome position (GRCh38, 1-based): chr16:89,584,079, C>T. VCF-style: chr16-89584079-C-T. GRCh37 (hg19) VCF-style: chr16-89650487-C-T.
Other names: c.709C>T, p.Arg237Trp (NM_014427.5); short protein forms R162W, R237W.
Identifiers: ClinVar variation 4872759 (VCV004872759.2).
Genomic context (GRCh38, chr16:89,584,079, plus strand): 5'-CCCTGCCAGGTGATCGCCGAGGACATCTCGGGGAACAACGGCTACGTGGAGCTCTCCTTC[C>T]GGGCCAGGAAGCTGGACGACAAGGTGAGTGCAGGTGCCGGGCACGCCTGGCTCAGGCTGA-3'
Protein context (NP_705900.1, residues 152-172): GNNGYVELSF[Arg162Trp]ARKLDDKDLF